The following is an entry in ClinVar:

NM_014495.4(ANGPTL3):c.587T>C (p.Ile196Thr)

Genes: ANGPTL3 (angiopoietin like 3; plus strand), DOCK7 (dedicator of cytokinesis 7; minus strand). Cytogenetic location: 1p31.3.
Variant type: single nucleotide variant.
Coding change: c.587T>C on transcript NM_014495.4 (MANE Select); coding-DNA position 587, T replaced by C.
Protein change: p.Ile196Thr; replaces isoleucine 196 with threonine.
Molecular consequence: missense variant. On other transcripts: intron variant (7).
Genome position (GRCh38, 1-based): chr1:62,598,787, T>C. VCF-style: chr1-62598787-T-C. GRCh37 (hg19) VCF-style: chr1-63064458-T-C.
Other names: c.1683-12163A>G (NM_001272001.2, NM_001272000.2, NM_033407.4 and 4 more transcripts); short protein forms I196T.
Identifiers: ClinVar variation 4977447 (VCV004977447.1).

ClinVar aggregate classification (germline): Uncertain significance (1 of 4 stars; one submission).

Conditions:
ANGPTL3-related disorder. Also called: ANGPTL3-related condition.

gnomAD v4.1: 39 of 1,601,394 alleles (0.0024%); highest among the groups gnomAD compares: East Asian, 0.081%; no homozygotes.

Submission:

PreventionGenetics, part of Exact Sciences
Classification: Uncertain significance for ANGPTL3-related condition. Last evaluated: 2025-09-26. Review status: criteria provided, single submitter. Criteria: ACMG Guidelines, 2015. Collection method: clinical testing. Allele origin: germline.
Comment: The ANGPTL3 c.587T>C variant is predicted to result in the amino acid substitution p.Ile196Thr. This variant was reported as having a reduced polygenic risk score for hypertriglyceridaemia (Table S2, Deshotels et al. 2022. PubMed ID: 36325899). This variant is reported in 0.093% of alleles in individuals of East Asian descent in gnomAD. At this time, the clinical significance of this variant is uncertain due to the absence of conclusive functional and genetic evidence.